The following is an entry in ClinVar:

NM_001127208.3(TET2):c.2675A>C (p.Gln892Pro)

Genes: TET2 (tet methylcytosine dioxygenase 2; plus strand), TET2-AS1 (TET2 antisense RNA 1; minus strand). Cytogenetic location: 4q24.
Variant type: single nucleotide variant.
Coding change: c.2675A>C on transcript NM_001127208.3 (MANE Select); coding-DNA position 2675, A replaced by C.
Protein change: p.Gln892Pro; replaces glutamine 892 with proline.
Molecular consequence: missense variant.
Genome position (GRCh38, 1-based): chr4:105,236,617, A>C. VCF-style: chr4-105236617-A-C. GRCh37 (hg19) VCF-style: chr4-106157774-A-C.
Other names: c.2675A>C, p.Gln892Pro (NM_017628.4); short protein forms Q892P.
Identifiers: ClinVar variation 4183040 (VCV004183040.1).

ClinVar aggregate classification (germline): Uncertain significance (1 of 4 stars; one submission).

gnomAD v4.1: 2 of 1,614,070 alleles (0.00012%); highest among the groups gnomAD compares: Non-Finnish European, 0.00017%; no homozygotes.

Submission:

Ambry Genetics
Classification: Uncertain significance. Last evaluated: 2025-08-29. Review status: criteria provided, single submitter. Criteria: Ambry Variant Classification Scheme 2023. Collection method: clinical testing. Allele origin: germline.
Comment: The p.Q892P variant (also known as c.2675A>C), located in coding exon 1 of the TET2 gene, results from an A to C substitution at nucleotide position 2675. The glutamine at codon 892 is replaced by proline, an amino acid with similar properties. This amino acid position is conserved. In addition, this alteration is predicted to be tolerated by in silico analysis. Based on the available evidence, the clinical significance of this variant remains unclear.